The following is an entry in ClinVar:

ClinVar aggregate classification (germline): Uncertain significance (1 of 4 stars; one submission).

Allele frequency attached by ClinVar (database versions not stated): gnomAD exomes below 0.00001; gnomAD 0.00001.
gnomAD v4.1: 4 of 1,614,040 alleles (0.00025%); highest among the groups gnomAD compares: Non-Finnish European, 0.00034%; no homozygotes.

Submission:

Labcorp Genetics (formerly Invitae), Labcorp
Classification: Uncertain significance. Last evaluated: 2025-10-05. Review status: criteria provided, single submitter. Criteria: Invitae Variant Classification Sherloc (09022015). Collection method: clinical testing. Allele origin: germline.
Comment: This sequence change replaces serine, which is neutral and polar, with arginine, which is basic and polar, at codon 584 of the ALPK1 protein (p.Ser584Arg). This variant is not present in population databases (gnomAD no frequency). This variant has not been reported in the literature in individuals affected with ALPK1-related conditions. ClinVar contains an entry for this variant (Variation ID: 2072745). Invitae Evidence Modeling of protein sequence and biophysical properties (such as structural, functional, and spatial information, amino acid conservation, physicochemical variation, residue mobility, and thermodynamic stability) indicates that this missense variant is expected to disrupt ALPK1 protein function with a positive predictive value of 80%. In summary, the available evidence is currently insufficient to determine the role of this variant in disease. Therefore, it has been classified as a Variant of Uncertain Significance.

NM_025144.4(ALPK1):c.1752C>A (p.Ser584Arg)

Gene: ALPK1 (alpha kinase 1; plus strand). Cytogenetic location: 4q25.
Variant type: single nucleotide variant.
Coding change: c.1752C>A on transcript NM_025144.4 (MANE Select); coding-DNA position 1752, C replaced by A.
Protein change: p.Ser584Arg; replaces serine 584 with arginine.
Molecular consequence: missense variant.
Genome position (GRCh38, 1-based): chr4:112,431,299, C>A. VCF-style: chr4-112431299-C-A. GRCh37 (hg19) VCF-style: chr4-113352455-C-A.
Other names: c.1752C>A, p.Ser584Arg (NM_001102406.2); c.1518C>A, p.Ser506Arg (NM_001253884.2); short protein forms S584R, S506R.
Identifiers: ClinVar variation 2072745 (VCV002072745.4), dbSNP rs1734538066, ClinGen allele CA357896035.
Genomic context (GRCh38, chr4:112,431,299, plus strand): 5'-TGGTGAGGGAGCTGTTTTCAACAAGTCTCTGAGTGGCAGCCAGACTTCCAGTGCTTGGAG[C>A]AACTTATCAGGGTTTAGTTCCTCTGCAAGCTGGGAGGAAGTGAATTATCACGTTGACGAC-3'
Protein context (NP_079420.3, residues 574-594): LSGSQTSSAW[Ser584Arg]NLSGFSSSAS